The following is an entry in ClinVar:

ClinVar aggregate classification (germline): Conflicting classifications of pathogenicity. Review status: criteria provided, conflicting classifications (1 of 4 stars). 6 submissions from 6 submitters: Uncertain significance (3); Benign (1); Likely benign (1). 1 of the submissions does not count toward it. Last evaluated 2026-01-28.

Conditions:
Hereditary cancer-predisposing syndrome. Also called: Hereditary Cancer Syndrome; Tumor predisposition; Hereditary neoplastic syndrome; Neoplastic Syndromes, Hereditary. Identifiers: Orphanet 140162, MedGen C0027672, MeSH D009386, MONDO:0015356.
Bloom syndrome (BLM). Also called: Bloom-Torre-Machacek syndrome. Identifiers: Orphanet 125, MedGen C0005859, MONDO:0008876, OMIM 210900.

Allele frequency attached by ClinVar (database versions not stated): 1000 Genomes Project 0.00020; ExAC 0.00002; gnomAD 0.00021 and 0.00023; TOPMed 0.00049; 1000 Genomes Project 30x 0.00016.
gnomAD v4.1: 56 of 1,614,058 alleles (0.0035%); highest among the groups gnomAD compares: Admixed American, 0.073%; no homozygotes.

Submissions (6):

Labcorp Genetics (formerly Invitae), Labcorp
Classification: Benign for Bloom syndrome. Last evaluated: 2026-01-28. Review status: criteria provided, single submitter. Criteria: Invitae Variant Classification Sherloc (09022015). Collection method: clinical testing. Allele origin: germline.

Quest Diagnostics Nichols Institute San Juan Capistrano
Classification: Uncertain significance. Last evaluated: 2025-06-18. Review status: criteria provided, single submitter. Criteria: Quest Diagnostics criteria. Collection method: clinical testing. Allele origin: unknown.
Comment: The BLM c.4220G>A (p.Arg1407Lys) variant has been reported in the published literature in individuals with breast cancer (PMID: 31780696 (2019)) and head/neck cancer (PMID: 32449991 (2020)). The frequency of this variant in the general population (Genome Aggregation Database) is uninformative in the assessment of its pathogenicity. Analysis of this variant using bioinformatics tools for the prediction of the effect of amino acid changes on protein structure and function yielded conflicting predictions that this variant is benign or damaging. Based on the available information, we are unable to determine the clinical significance of this variant.

St. Jude Molecular Pathology, St. Jude Children's Research Hospital
Classification: Uncertain significance for Bloom syndrome. Last evaluated: 2024-06-23. Review status: criteria provided, single submitter. Criteria: St. Jude Assertion Criteria 2020. Collection method: clinical testing. Allele origin: germline.

GeneDx
Classification: Likely benign. Last evaluated: 2024-03-12. Review status: criteria provided, single submitter. Criteria: GeneDx Variant Classification Process June 2021. Collection method: clinical testing. Allele origin: germline.
Comment: See Variant Classification Assertion Criteria.

Ambry Genetics
Classification: Uncertain significance for Hereditary cancer-predisposing syndrome. Last evaluated: 2024-02-28. Review status: criteria provided, single submitter. Criteria: Ambry Variant Classification Scheme 2023. Collection method: clinical testing. Allele origin: germline.
Comment: The p.R1407K variant (also known as c.4220G>A), located in coding exon 21 of the BLM gene, results from a G to A substitution at nucleotide position 4220. The arginine at codon 1407 is replaced by lysine, an amino acid with highly similar properties. This alteration has been reported in two unrelated Puerto Rican breast cancer patients that met clinical criteria for BRCA testing and had previously tested negative for mutations in the BRCA1/BRCA2 genes (Dutil J et al. Sci Rep, 2019 Nov;9:17769). This amino acid position is highly conserved in available vertebrate species. In addition, the in silico prediction for this alteration is inconclusive. Since supporting evidence is limited at this time, the clinical significance of this alteration remains unclear.

Natera, Inc.
Classification: Uncertain significance for Bloom syndrome. Last evaluated: 2020-09-16. Review status: no assertion criteria provided. Collection method: clinical testing. Allele origin: germline. Not counted in ClinVar's aggregate classification.

Literature cited by the submitters: PubMed 31780696 (cited by Quest Diagnostics Nichols Institute San Juan Capistrano and Ambry Genetics); PubMed 32449991 (cited by Quest Diagnostics Nichols Institute San Juan Capistrano).

NM_000057.4(BLM):c.4220G>A (p.Arg1407Lys)

Gene: BLM (BLM RecQ like helicase; plus strand). Cytogenetic location: 15q26.1.
Variant type: single nucleotide variant.
Coding change: c.4220G>A on transcript NM_000057.4 (MANE Select); coding-DNA position 4220, G replaced by A.
Protein change: p.Arg1407Lys; replaces arginine 1407 with lysine.
Molecular consequence: missense variant.
Genome position (GRCh38, 1-based): chr15:90,815,245, G>A. VCF-style: chr15-90815245-G-A. GRCh37 (hg19) VCF-style: chr15-91358475-G-A.
Other names: c.4220G>A, p.Arg1407Lys (NM_001287246.2); c.3827G>A, p.Arg1276Lys (NM_001287247.2); c.3095G>A, p.Arg1032Lys (NM_001287248.2); short protein forms R1407K, R1032K, R1276K.
Identifiers: ClinVar variation 454151 (VCV000454151.22), dbSNP rs557057587, ClinGen allele CA7739215.